The following is an entry in ClinVar:

NM_003590.5(CUL3):c.1222G>T (p.Val408Leu)

Gene: CUL3 (cullin 3; minus strand). Cytogenetic location: 2q36.2.
Variant type: single nucleotide variant.
Coding change: c.1222G>T on transcript NM_003590.5 (MANE Select); coding-DNA position 1222, G replaced by T.
Protein change: p.Val408Leu; replaces valine 408 with leucine.
Molecular consequence: missense variant.
Genome position (GRCh38, 1-based): chr2:224,503,807, C>A on the plus strand (G>T on the coding strand, the complement: CUL3 is on the minus strand). VCF-style: chr2-224503807-C-A. GRCh37 (hg19) VCF-style: chr2-225368524-C-A.
Other names: c.1024G>T, p.Val342Leu (NM_001257197.2); c.1240G>T, p.Val414Leu (NM_001257198.2); short protein forms V414L, V342L, V408L.
Identifiers: ClinVar variation 3730982 (VCV003730982.1).

ClinVar aggregate classification (germline): Uncertain significance (1 of 4 stars; one submission).

Submission:

GeneDx
Classification: Uncertain significance. Last evaluated: 2024-08-14. Review status: criteria provided, single submitter. Criteria: GeneDx Variant Classification Process June 2021. Collection method: clinical testing. Allele origin: germline. Affected: yes.
Comment: Not observed at significant frequency in large population cohorts (gnomAD); In silico analysis indicates that this missense variant does not alter protein structure/function; Has not been previously published as pathogenic or benign to our knowledge